The following is an entry in ClinVar:

NM_001042681.2(RERE):c.1104A>G (p.Thr368=)

Gene: RERE (arginine-glutamic acid dipeptide repeats; minus strand). Cytogenetic location: 1p36.23.
Variant type: single nucleotide variant.
Coding change: c.1104A>G on transcript NM_001042681.2 (MANE Select); coding-DNA position 1104, A replaced by G.
Protein change: p.Thr368=; no amino-acid change (threonine 368 retained).
Molecular consequence: synonymous variant.
Genome position (GRCh38, 1-based): chr1:8,495,063, T>C on the plus strand (A>G on the coding strand, the complement: RERE is on the minus strand). VCF-style: chr1-8495063-T-C. GRCh37 (hg19) VCF-style: chr1-8555123-T-C.
Other names: c.1104A>G, p.Thr368= (NM_012102.4).
Identifiers: ClinVar variation 3681980 (VCV003681980.2).
Genomic context (GRCh38, chr1:8,495,063, plus strand): 5'-ACAGCCAGTTCAGGGGAAAAAGAAGTGTCTTCCCACTCAGGGTGACTTCAAAAGACTTAC[T>C]GTGTTCAGTGCATTCAGAGTGGTGTCATCCCGAGAGGCTGCGACACAGCCGTCCTCTGTA-3'
Protein context (NP_001036146.1, residues 358-378): RDDTTLNALN[Thr368=]LHESGYDAGK

ClinVar aggregate classification (germline): Uncertain significance (1 of 4 stars; one submission).

Submission:

Labcorp Genetics (formerly Invitae), Labcorp
Classification: Uncertain significance. Last evaluated: 2024-04-11. Review status: criteria provided, single submitter. Criteria: Invitae Variant Classification Sherloc (09022015). Collection method: clinical testing. Allele origin: germline.
Comment: This sequence change affects codon 368 of the RERE mRNA. It is a 'silent' change, meaning that it does not change the encoded amino acid sequence of the RERE protein. It affects a nucleotide within the consensus splice site. This variant is not present in population databases (gnomAD no frequency). This variant has not been reported in the literature in individuals affected with RERE-related conditions. Algorithms developed to predict the effect of sequence changes on RNA splicing suggest that this variant is not likely to affect RNA splicing. In summary, the available evidence is currently insufficient to determine the role of this variant in disease. Therefore, it has been classified as a Variant of Uncertain Significance.